The following is an entry in ClinVar:

NM_004656.4(BAP1):c.1412C>A (p.Ala471Asp)

Gene: BAP1 (BRCA1 associated deubiquitinase 1; minus strand). Cytogenetic location: 3p21.1.
Variant type: single nucleotide variant.
Coding change: c.1412C>A on transcript NM_004656.4 (MANE Select); coding-DNA position 1412, C replaced by A.
Protein change: p.Ala471Asp; replaces alanine 471 with aspartic acid.
Molecular consequence: missense variant.
Genome position (GRCh38, 1-based): chr3:52,403,733, G>T on the plus strand (C>A on the coding strand, the complement: BAP1 is on the minus strand). VCF-style: chr3-52403733-G-T. GRCh37 (hg19) VCF-style: chr3-52437749-G-T.
Other names: short protein forms A471D.
Identifiers: ClinVar variation 1407614 (VCV001407614.6), dbSNP rs749456076, ClinGen allele CA353101499.

ClinVar aggregate classification (germline): Uncertain significance (1 of 4 stars; one submission).

Conditions:
BAP1-related tumor predisposition syndrome (TPDS1). Also called: Tumor susceptibility linked to germline BAP1 mutations; BAP1 tumor predisposition syndrome; COMMON Syndrome; TUMOR PREDISPOSITION SYNDROME 1. Identifiers: Orphanet 289539, MedGen C3280492, MONDO:0013692, OMIM 614327.

Submission:

Labcorp Genetics (formerly Invitae), Labcorp
Classification: Uncertain significance for BAP1-related tumor predisposition syndrome. Last evaluated: 2021-08-03. Review status: criteria provided, single submitter. Criteria: Invitae Variant Classification Sherloc (09022015). Collection method: clinical testing. Allele origin: germline.
Comment: In summary, the available evidence is currently insufficient to determine the role of this variant in disease. Therefore, it has been classified as a Variant of Uncertain Significance. Algorithms developed to predict the effect of missense changes on protein structure and function are either unavailable or do not agree on the potential impact of this missense change (SIFT: "Tolerated"; PolyPhen-2: "Possibly Damaging"; Align-GVGD: "Class C0"). This variant has not been reported in the literature in individuals affected with BAP1-related conditions. This variant is not present in population databases (ExAC no frequency). This sequence change replaces alanine with aspartic acid at codon 471 of the BAP1 protein (p.Ala471Asp). The alanine residue is moderately conserved and there is a moderate physicochemical difference between alanine and aspartic acid.